The following is an entry in ClinVar:

NM_003361.4(UMOD):c.611G>C (p.Arg204Pro)

Gene: UMOD (uromodulin; minus strand). Cytogenetic location: 16p12.3.
Variant type: single nucleotide variant.
Coding change: c.611G>C on transcript NM_003361.4 (MANE Select); coding-DNA position 611, G replaced by C.
Protein change: p.Arg204Pro; replaces arginine 204 with proline.
Molecular consequence: missense variant. On other transcripts: non-coding transcript variant (1).
Genome position (GRCh38, 1-based): chr16:20,348,690, C>G on the plus strand (G>C on the coding strand, the complement: UMOD is on the minus strand). VCF-style: chr16-20348690-C-G. GRCh37 (hg19) VCF-style: chr16-20360012-C-G.
Other names: c.611G>C, p.Arg204Pro (NM_001008389.3, NM_001378232.1, NM_001378233.1 and 3 more transcripts); c.710G>C, p.Arg237Pro (NM_001278614.2); short protein forms R204P, R237P.
Identifiers: ClinVar variation 2684102 (VCV002684102.1), dbSNP rs1376973021, ClinGen allele CA394985326.
Genomic context (GRCh38, chr16:20,348,690, plus strand): 5'-TTGCAGCGCAGGACTGGCACGCAGGTCTCGGCCATGCGCGCACCGCCCTGGCCCACGAAG[C>G]GGTACCAGCCGCGCAGGTCCGTGTCGCAGGCGTAGCCCTCCCCGTACTCGGTGCTGCGCC-3'
Protein context (NP_003352.2, residues 194-214): ACDTDLRGWY[Arg204Pro]FVGQGGARMA

ClinVar aggregate classification (germline): Uncertain significance (1 of 4 stars; one submission).

Submission:

Athena Diagnostics
Classification: Uncertain significance. Last evaluated: 2023-09-05. Review status: criteria provided, single submitter. Criteria: Athena Diagnostics Criteria. Collection method: clinical testing. Allele origin: unknown.
Comment: Available data are insufficient to determine the clinical significance of the variant at this time. This variant has been identified in at least one individual with clinical features associated with this gene. This variant has not been reported in large, multi-ethnic general populations. Computational tools predict that this variant is damaging.

Literature cited by the submitters: PubMed 35273390; PubMed 21868615; PubMed 32450155.